The following is an entry in ClinVar:

NM_170606.3(KMT2C):c.6413C>A (p.Pro2138Gln)

Gene: KMT2C (lysine methyltransferase 2C; minus strand). Cytogenetic location: 7q36.1.
Variant type: single nucleotide variant.
Coding change: c.6413C>A on transcript NM_170606.3 (MANE Select); coding-DNA position 6413, C replaced by A.
Protein change: p.Pro2138Gln; replaces proline 2138 with glutamine.
Molecular consequence: missense variant.
Genome position (GRCh38, 1-based): chr7:152,181,447, G>T on the plus strand (C>A on the coding strand, the complement: KMT2C is on the minus strand). VCF-style: chr7-152181447-G-T. GRCh37 (hg19) VCF-style: chr7-151878532-G-T.
Other names: short protein forms P2138Q.
Identifiers: ClinVar variation 3715934 (VCV003715934.2).

ClinVar aggregate classification (germline): Uncertain significance (1 of 4 stars; one submission).

Submission:

Labcorp Genetics (formerly Invitae), Labcorp
Classification: Uncertain significance. Last evaluated: 2024-11-05. Review status: criteria provided, single submitter. Criteria: Invitae Variant Classification Sherloc (09022015). Collection method: clinical testing. Allele origin: germline.
Comment: This sequence change replaces proline, which is neutral and non-polar, with glutamine, which is neutral and polar, at codon 2138 of the KMT2C protein (p.Pro2138Gln). This variant is not present in population databases (gnomAD no frequency). This variant has not been reported in the literature in individuals affected with KMT2C-related conditions. Invitae Evidence Modeling of protein sequence and biophysical properties (such as structural, functional, and spatial information, amino acid conservation, physicochemical variation, residue mobility, and thermodynamic stability) indicates that this missense variant is expected to disrupt KMT2C protein function with a positive predictive value of 80%. In summary, the available evidence is currently insufficient to determine the role of this variant in disease. Therefore, it has been classified as a Variant of Uncertain Significance.